The following is an entry in ClinVar:

NM_000330.4(RS1):c.35T>C (p.Leu12Pro)

Gene: RS1 (retinoschisin 1; minus strand). Cytogenetic location: Xp22.13.
Variant type: single nucleotide variant.
Coding change: c.35T>C on transcript NM_000330.4 (MANE Select); coding-DNA position 35, T replaced by C.
Protein change: p.Leu12Pro; replaces leucine 12 with proline.
Molecular consequence: missense variant.
Genome position (GRCh38, 1-based): chrX:18,672,034, A>G on the plus strand (T>C on the coding strand, the complement: RS1 is on the minus strand). VCF-style: chrX-18672034-A-G. GRCh37 (hg19) VCF-style: chrX-18690154-A-G.
Other names: NM_000330.4:c.35T>C; short protein forms L12P.
Identifiers: ClinVar variation 4060894 (VCV004060894.4).

ClinVar aggregate classification (germline): Uncertain significance. Review status: reviewed by expert panel (3 of 4 stars). 3 submissions from 3 submitters: Uncertain significance (1). 2 of the submissions do not count toward it. Last evaluated 2025-09-23.

Conditions:
Juvenile retinoschisis (RS1). Also called: X-linked retinoschisis; X-Linked Juvenile Retinoschisis. Identifiers: Orphanet 792, MedGen C3714753, MONDO:0010725, OMIM 312700.

Submissions (3):

ClinGen X-linked Inherited Retinal Disease Variant Curation Expert Panel, ClinGen
Classification: Uncertain significance for Juvenile retinoschisis. Last evaluated: 2025-09-23. Review status: reviewed by expert panel. Criteria: ClinGen X LinkedIRD ACMG Specifications RS1 V1.0.0. Collection method: curation. Allele origin: germline. Inheritance: X-linked inheritance.
Comment: NM_000330.4(RS1):c.35T>C (p.Leu12Pro) is a missense variant encoding the substitution of leucine with proline at amino acid 12. This variant is absent from hemizygous individuals in gnomAD v4.1.0 (PM2_Supporting). The computational predictor REVEL gives a score of 0.701, which is within the ClinGen X-linked IRD VCEP range between 0.772 to 0.644 and predicts a damaging effect on RS1 function (PP3). The computational splicing predictor SpliceAI gives a delta score of 0.00 for all predictive splice changes, which is below the ClinGen X-linked IRD VCEP threshold of >0.2 and does not predict that the variant disrupts RS1 splicing. At least one proband harboring this variant exhibits a phenotype including appearance of schisis and reduced visual acuity before age 13 years, which together are specific for X-linked retinoschisis (PMID: 30652005, PMID: 36165991, PP4). In summary, this variant is classified as a variant of uncertain significance for X-linked retinoschisis based on the ClinGen X-linked Inherited Retinal Disease Expert Panel Specifications to the ACMG/AMP Variant Interpretation Guidelines for RS1 Version 1.0.0: PM2_Supporting, PP4, and PP3.

GeneDx
Classification: Uncertain significance. Last evaluated: 2026-03-26. Review status: criteria provided, single submitter. Criteria: GeneDx Variant Classification Process June 2021. Collection method: clinical testing. Allele origin: germline. Not counted in ClinVar's aggregate classification.
Comment: In silico analysis suggests that this missense variant does not alter protein structure/function; Not observed at significant frequency in large population cohorts (gnomAD); This variant is associated with the following publications: (PMID: 36165991, 30652005)

Natera, Inc.
Classification: Likely pathogenic for X-linked retinoschisis. Last evaluated: 2025-05-21. Review status: criteria provided, single submitter. Criteria: Natera Variant Classification Schema (03/2026). Collection method: clinical testing. Allele origin: germline. Not counted in ClinVar's aggregate classification.
Comment: The c.35T>C variant in RS1 is a missense variant predicted to cause substitution of leucine to proline at amino acid 12. This variant is rare in the general population with a frequency below the threshold expected for the associated phenotype(s). This variant has been observed in affected individual(s) with monoallelic occurrence (heterozygous/hemizygous) (PMID: 30652005). A different variant at the same position has been determined to be Pathogenic or Likely Pathogenic. Computational prediction algorithms indicate this variant is likely to affect gene or protein function. Given the available evidence, this variant is classified as Likely Pathogenic.

Literature cited by the submitters: PubMed 30652005 (cited by Natera, Inc.).